The following is an entry in ClinVar:

NM_002637.4(PHKA1):c.719C>G (p.Ser240Cys)

Gene: PHKA1 (phosphorylase kinase regulatory subunit alpha 1; minus strand). Cytogenetic location: Xq13.1.
Variant type: single nucleotide variant.
Coding change: c.719C>G on transcript NM_002637.4 (MANE Select); coding-DNA position 719, C replaced by G.
Protein change: p.Ser240Cys; replaces serine 240 with cysteine.
Molecular consequence: missense variant.
Genome position (GRCh38, 1-based): chrX:72,666,296, G>C on the plus strand (C>G on the coding strand, the complement: PHKA1 is on the minus strand). VCF-style: chrX-72666296-G-C. GRCh37 (hg19) VCF-style: chrX-71886146-G-C.
Other names: c.719C>G, p.Ser240Cys (NM_001172436.2, NM_001122670.2); short protein forms S240C.
Identifiers: ClinVar variation 2663725 (VCV002663725.4), dbSNP rs2147780011, ClinGen allele CA413594385.

ClinVar aggregate classification (germline): Uncertain significance. Review status: criteria provided, multiple submitters, no conflicts (2 of 4 stars). 2 submissions from 2 submitters: Uncertain significance (2). Last evaluated 2023-04-04.

Conditions:
Glycogen storage disease IXd (GSD9D). Also called: GSD IXd; Muscle Phosphorylase Kinase Deficiency. Identifiers: Orphanet 715, MedGen C1845151, MONDO:0010362, OMIM 300559.

Allele frequency attached by ClinVar (database versions not stated): gnomAD exomes below 0.00001; 1000 Genomes Project 30x 0.00021.

Submissions (2):

GeneDx
Classification: Uncertain significance. Last evaluated: 2023-04-04. Review status: criteria provided, single submitter. Criteria: GeneDx Variant Classification Process June 2021. Collection method: clinical testing. Allele origin: germline. Affected: yes.
Comment: Not observed at significant frequency in large population cohorts (gnomAD); In silico analysis supports that this missense variant has a deleterious effect on protein structure/function; Has not been previously published as pathogenic or benign to our knowledge

Labcorp Genetics (formerly Invitae), Labcorp
Classification: Uncertain significance for Glycogen storage disease IXd. Last evaluated: 2023-03-16. Review status: criteria provided, single submitter. Criteria: Invitae Variant Classification Sherloc (09022015). Collection method: clinical testing. Allele origin: germline.
Comment: This sequence change replaces serine, which is neutral and polar, with cysteine, which is neutral and slightly polar, at codon 240 of the PHKA1 protein (p.Ser240Cys). This variant is not present in population databases (gnomAD no frequency). This variant has not been reported in the literature in individuals affected with PHKA1-related conditions. An algorithm developed to predict the effect of missense changes on protein structure and function (PolyPhen-2) suggests that this variant is likely to be disruptive. In summary, the available evidence is currently insufficient to determine the role of this variant in disease. Therefore, it has been classified as a Variant of Uncertain Significance.